The following is an entry in ClinVar:

NM_004415.4(DSP):c.6956G>A (p.Gly2319Asp)

Gene: DSP (desmoplakin; plus strand). Cytogenetic location: 6p24.3.
Variant type: single nucleotide variant.
Coding change: c.6956G>A on transcript NM_004415.4 (MANE Select); coding-DNA position 6956, G replaced by A.
Protein change: p.Gly2319Asp; replaces glycine 2319 with aspartic acid.
Molecular consequence: missense variant.
Genome position (GRCh38, 1-based): chr6:7,584,218, G>A. VCF-style: chr6-7584218-G-A. GRCh37 (hg19) VCF-style: chr6-7584451-G-A.
Other names: c.6956G>A (LRG_423t1); c.5159G>A, p.Gly1720Asp (NM_001008844.3); c.5627G>A, p.Gly1876Asp (NM_001319034.2); short protein forms G2319D, G1720D, G1876D.
Identifiers: ClinVar variation 520440 (VCV000520440.13), dbSNP rs762943687, ClinGen allele CA048764.

ClinVar aggregate classification (germline): Uncertain significance. Review status: criteria provided, multiple submitters, no conflicts (2 of 4 stars). 4 submissions from 4 submitters: Uncertain significance (4). Last evaluated 2025-02-17.

Conditions:
Cardiovascular phenotype. Identifiers: MedGen CN230736.
Arrhythmogenic cardiomyopathy with wooly hair and keratoderma. Also called: PALMOPLANTAR KERATODERMA WITH LEFT VENTRICULAR CARDIOMYOPATHY AND WOOLLY HAIR; Arrhythmogenic cardiomyopathy with woolly hair and keratoderma; Dilated cardiomyopathy with woolly hair and keratoderma; Carvajal syndrome. Identifiers: Orphanet 65282, MedGen C1854063, MONDO:0011581, OMIM 605676.
Arrhythmogenic right ventricular dysplasia 8 (ARVD8). Also called: ARRHYTHMOGENIC RIGHT VENTRICULAR CARDIOMYOPATHY 8; ARRHYTHMOGENIC RIGHT VENTRICULAR DYSPLASIA, FAMILIAL, 8; Arrhythmogenic Right Ventricular Dysplasia/Cardiomyopathy 8. Identifiers: MedGen C1843896, MONDO:0011831, OMIM 607450.
Lethal acantholytic epidermolysis bullosa (EBLA). Identifiers: Orphanet 158687, MedGen C1864826, MONDO:0012323, OMIM 609638.
Keratosis palmoplantaris striata 2. Also called: Keratosis palmoplantaris striata II; KERATODERMA, PALMOPLANTAR, STRIATE FORM II; STRIATE PALMOPLANTAR KERATODERMA II. Identifiers: MedGen C1852127, MONDO:0013034, OMIM 612908.
Woolly hair-skin fragility syndrome (WHSF). Identifiers: Orphanet 293165, MedGen C1843292, MONDO:0957307, OMIM 620415.
Cardiomyopathy, dilated, with wooly hair, keratoderma, and tooth agenesis. Also called: Cardiomyopathy, dilated, with woolly hair, keratoderma, and tooth agenesis; Erythrokeratodermia-cardiomyopathy syndrome. Identifiers: Orphanet 476096, Orphanet 65282, MedGen C4014393, MONDO:0014355, OMIM 615821.

Allele frequency attached by ClinVar (database versions not stated): gnomAD exomes below 0.00001; ExAC 0.00001; gnomAD 0.00001.
gnomAD v4.1: 3 of 1,614,066 alleles (0.00019%); highest among the groups gnomAD compares: Non-Finnish European, 0.00025%; no homozygotes.

Submissions (4):

Molecular Diagnostic Laboratory for Inherited Cardiovascular Disease, Montreal Heart Institute
Classification: Uncertain significance for Cardiovascular phenotype. Last evaluated: 2025-02-17. Review status: criteria provided, single submitter. Criteria: ACMG Guidelines, 2015. Collection method: clinical testing. Allele origin: germline. Affected: yes.

All of Us Research Program, National Institutes of Health
Classification: Uncertain significance for Arrhythmogenic cardiomyopathy with wooly hair and keratoderma. Last evaluated: 2023-06-08. Review status: criteria provided, single submitter. Criteria: ACMG Guidelines, 2015. Collection method: clinical testing. Allele origin: germline. Inheritance: Autosomal dominant inheritance. Observed: 1 variant allele, 1 heterozygote.
Comment: This missense variant replaces glycine with aspartic acid at codon 2319 of the DSP protein. Computational prediction suggests that this variant may have deleterious impact on protein structure and function (internally defined REVEL score threshold >= 0.7, PMID: 27666373). To our knowledge, functional studies have not been reported for this variant. This variant has not been reported in individuals affected with DSP-related disorders in the literature. This variant has been identified in 1/251484 chromosomes in the general population by the Genome Aggregation Database (gnomAD). The available evidence is insufficient to determine the role of this variant in disease conclusively. Therefore, this variant is classified as a Variant of Uncertain Significance.

This study involves interpretation of variants in research participants for the purpose of population health screening. Participant phenotype was not available at the time of variant classification. Additional details can be found in publication PMID: 35346344, PMCID: PMC8962531

Labcorp Genetics (formerly Invitae), Labcorp
Classification: Uncertain significance for Arrhythmogenic cardiomyopathy with wooly hair and keratoderma; Arrhythmogenic right ventricular dysplasia 8. Last evaluated: 2022-05-17. Review status: criteria provided, single submitter. Criteria: Invitae Variant Classification Sherloc (09022015). Collection method: clinical testing. Allele origin: germline.
Comment: Algorithms developed to predict the effect of missense changes on protein structure and function are either unavailable or do not agree on the potential impact of this missense change (SIFT: "Tolerated"; PolyPhen-2: "Probably Damaging"; Align-GVGD: "Class C0"). In summary, the available evidence is currently insufficient to determine the role of this variant in disease. Therefore, it has been classified as a Variant of Uncertain Significance. ClinVar contains an entry for this variant (Variation ID: 520440). This variant has not been reported in the literature in individuals affected with DSP-related conditions. This variant is present in population databases (rs762943687, gnomAD 0.0009%). This sequence change replaces glycine, which is neutral and non-polar, with aspartic acid, which is acidic and polar, at codon 2319 of the DSP protein (p.Gly2319Asp).

Fulgent Genetics
Classification: Uncertain significance for Arrhythmogenic cardiomyopathy with wooly hair and keratoderma; Arrhythmogenic right ventricular dysplasia 8; Lethal acantholytic epidermolysis bullosa; Keratosis palmoplantaris striata 2; Cardiomyopathy, dilated, with wooly hair, keratoderma, and tooth agenesis. Last evaluated: 2021-12-07. Review status: criteria provided, single submitter. Criteria: ACMG Guidelines, 2015. Collection method: clinical testing. Allele origin: unknown.